The following is an entry in ClinVar:

ClinVar aggregate classification (somatic clinical impact): Tier II - Potential (1 of 4 stars; one submission).

Conditions:
Medulloblastoma WNT activated. Identifiers: MedGen C4331965, MONDO:0850196.

gnomAD v4.1: 1 of 1,200,143 alleles (0.000083%); highest among the groups gnomAD compares: Non-Finnish European, 0.00011%; no homozygotes.

Submission:

Institute for Genomic Medicine (IGM) Clinical Laboratory, Nationwide Children's Hospital
Classification: Tier II - Potential for Medulloblastoma WNT activated. Assertion type: diagnostic. Clinical significance: supports diagnosis. Last evaluated: 2025-10-03. Review status: criteria provided, single submitter. Criteria: AMP/ASCO/CAP Guidelines, 2017. Collection method: clinical testing. Allele origin: somatic. Affected: yes.
Comment: Variant has Tier II (potential) clinical significance as a diagnostic inclusion criterion in medulloblastoma WNT activated, based on the following evidence: 1) Documented in one or more cancer databases (e.g., St. Jude Pecan, COSMIC, CIViC, OncoKB). 2) Diagnostic significance based on multiple small studies (Evidence Level C; PMIDs: 28726821, 23184418, 22832583, 22820256, 22722829).

Literature cited by the submitters: PubMed 28726821; PubMed 23184418; PubMed 22832583; PubMed 22820256; PubMed 22722829.

NM_001291415.2(KDM6A):c.4161+5G>A

Gene: KDM6A (lysine demethylase 6A; plus strand). Cytogenetic location: Xp11.3.
Variant type: single nucleotide variant.
Coding change: c.4161+5G>A on transcript NM_001291415.2 (MANE Select); 5 bases into the intron after coding-DNA position 4161, G replaced by A.
Molecular consequence: intron variant.
Genome position (GRCh38, 1-based): chrX:45,107,541, G>A. VCF-style: chrX-45107541-G-A. GRCh37 (hg19) VCF-style: chrX-44966786-G-A.
Other names: c.4269+5G>A (NM_001419809.1); c.4167+5G>A (NM_001419810.1); c.4059+5G>A (NM_001419813.1); c.4113+5G>A (NM_001419812.1); c.4005+5G>A (NM_021140.4); c.4011+5G>A (NM_001419814.1); c.3903+5G>A (NM_001410742.1); c.4134+5G>A (NM_001419811.1); and 5 more.
Identifiers: ClinVar variation 4530484 (VCV004530484.1).